The following is an entry in ClinVar:

NM_001166108.2(PALLD):c.2481G>A (p.Trp827Ter)

Genes: CBR4 (carbonyl reductase 4; minus strand), PALLD (palladin, cytoskeletal associated protein; plus strand). Cytogenetic location: 4q32.3.
Variant type: single nucleotide variant.
Coding change: c.2481G>A on transcript NM_001166108.2 (MANE Select); coding-DNA position 2481, G replaced by A.
Protein change: p.Trp827Ter; replaces tryptophan 827 with a stop codon.
Molecular consequence: nonsense.
Genome position (GRCh38, 1-based): chr4:168,903,765, G>A. VCF-style: chr4-168903765-G-A. GRCh37 (hg19) VCF-style: chr4-169824916-G-A.
Other names: c.1284G>A, p.Trp428Ter (NM_001166109.2); c.969G>A, p.Trp323Ter (NM_001166110.2); c.309G>A, p.Trp103Ter (NM_001367567.1, NM_001367569.1); c.360G>A, p.Trp120Ter (NM_001367568.1, NM_001367570.1); c.2430G>A, p.Trp810Ter (NM_016081.4); short protein forms W323*, W428*, W103*, W120*, W810*, W827*.
Identifiers: ClinVar variation 3725075 (VCV003725075.2).

ClinVar aggregate classification (germline): Uncertain significance (1 of 4 stars; one submission).

Conditions:
Pancreatic adenocarcinoma. Identifiers: MedGen C0281361, MONDO:0006047, HP:0006725.

Submission:

Labcorp Genetics (formerly Invitae), Labcorp
Classification: Uncertain significance for Pancreatic adenocarcinoma. Last evaluated: 2024-11-12. Review status: criteria provided, single submitter. Criteria: Invitae Variant Classification Sherloc (09022015). Collection method: clinical testing. Allele origin: germline.
Comment: This sequence change creates a premature translational stop signal (p.Trp323*) in the PALLD gene. It is expected to result in an absent or disrupted protein product. However, the current clinical and genetic evidence is not sufficient to establish whether loss-of-function variants in PALLD cause disease. This variant is not present in population databases (gnomAD no frequency). This variant has not been reported in the literature in individuals affected with PALLD-related conditions. In summary, the available evidence is currently insufficient to determine the role of this variant in disease. Therefore, it has been classified as a Variant of Uncertain Significance.